The following is an entry in ClinVar:

NM_005475.3(SH2B3):c.56C>G (p.Pro19Arg)

Gene: SH2B3 (SH2B adaptor protein 3; plus strand). Cytogenetic location: 12q24.12.
Variant type: single nucleotide variant.
Coding change: c.56C>G on transcript NM_005475.3 (MANE Select); coding-DNA position 56, C replaced by G.
Protein change: p.Pro19Arg; replaces proline 19 with arginine.
Molecular consequence: missense variant.
Genome position (GRCh38, 1-based): chr12:111,418,201, C>G. VCF-style: chr12-111418201-C-G. GRCh37 (hg19) VCF-style: chr12-111856005-C-G.
Other names: short protein forms P19R.
Identifiers: ClinVar variation 3795160 (VCV003795160.1).

ClinVar aggregate classification (germline): Uncertain significance (1 of 4 stars; one submission).

Conditions:
Inborn genetic diseases. Identifiers: MedGen C0950123, MeSH D030342.

Submission:

Ambry Genetics
Classification: Uncertain significance for Inborn genetic diseases. Last evaluated: 2025-02-03. Review status: criteria provided, single submitter. Criteria: Ambry Variant Classification Scheme 2023. Collection method: clinical testing. Allele origin: germline.
Comment: The p.P19R variant (also known as c.56C>G), located in coding exon 1 of the SH2B3 gene, results from a C to G substitution at nucleotide position 56. The proline at codon 19 is replaced by arginine, an amino acid with dissimilar properties. This amino acid position is conserved. In addition, this alteration is predicted to be tolerated by in silico analysis. Based on the available evidence, the clinical significance of this variant remains unclear.